The following is an entry in ClinVar:

ClinVar aggregate classification (germline): Uncertain significance (1 of 4 stars; one submission).

Conditions:
Hereditary cancer-predisposing syndrome. Also called: Tumor predisposition; Hereditary neoplastic syndrome; Neoplastic Syndromes, Hereditary; Hereditary Cancer Syndrome. Identifiers: Orphanet 140162, MedGen C0027672, MeSH D009386, MONDO:0015356.

gnomAD v4.1: 1 of 1,614,188 alleles (0.000062%); highest among the groups gnomAD compares: East Asian, 0.0022%; no homozygotes.

Submission:

Ambry Genetics
Classification: Uncertain significance for Hereditary cancer-predisposing syndrome. Last evaluated: 2017-12-19. Review status: criteria provided, single submitter. Criteria: Ambry Variant Classification Scheme 2023. Collection method: clinical testing. Allele origin: germline.
Comment: The p.P488T variant (also known as c.1462C>A), located in coding exon 10 of the CDH1 gene, results from a C to A substitution at nucleotide position 1462. The proline at codon 488 is replaced by threonine, an amino acid with highly similar properties. This amino acid position is highly conserved in available vertebrate species. In addition, the in silico prediction for this alteration is inconclusive. Since supporting evidence is limited at this time, the clinical significance of this alteration remains unclear.

NM_004360.5(CDH1):c.1462C>A (p.Pro488Thr)

Gene: CDH1 (cadherin 1; plus strand). Cytogenetic location: 16q22.1.
Variant type: single nucleotide variant.
Coding change: c.1462C>A on transcript NM_004360.5 (MANE Select); coding-DNA position 1462, C replaced by A.
Protein change: p.Pro488Thr; replaces proline 488 with threonine.
Molecular consequence: missense variant. On other transcripts: 5 prime UTR variant (2).
Genome position (GRCh38, 1-based): chr16:68,815,656, C>A. VCF-style: chr16-68815656-C-A. GRCh37 (hg19) VCF-style: chr16-68849559-C-A.
Other names: c.1279C>A, p.Pro427Thr (NM_001317184.2); c.-87C>A (NM_001317185.2); c.-358C>A (NM_001317186.2); short protein forms P427T, P488T.
Identifiers: ClinVar variation 819281 (VCV000819281.4), dbSNP rs1555516144, ClinGen allele CA396463107.